The following is an entry in ClinVar:

NM_014251.3(SLC25A13):c.329-1G>A

Gene: SLC25A13 (solute carrier family 25 member 13; minus strand). Cytogenetic location: 7q21.3.
Variant type: single nucleotide variant.
Coding change: c.329-1G>A on transcript NM_014251.3 (MANE Select); the canonical splice acceptor site of the intron before coding-DNA position 329, G replaced by A.
Molecular consequence: splice acceptor variant.
Genome position (GRCh38, 1-based): chr7:96,208,978, C>T on the plus strand (G>A on the coding strand, the complement: SLC25A13 is on the minus strand). VCF-style: chr7-96208978-C-T. GRCh37 (hg19) VCF-style: chr7-95838290-C-T.
Other names: c.329-1G>A (NM_001160210.2).
Identifiers: ClinVar variation 2049140 (VCV002049140.4), dbSNP rs2485894793, ClinGen allele CA368407094.

ClinVar aggregate classification (germline): Likely pathogenic (1 of 4 stars; one submission).

Conditions:
Citrin deficiency. Identifiers: Orphanet 247582, MedGen C1997910, MONDO:0016602.

Submission:

Labcorp Genetics (formerly Invitae), Labcorp
Classification: Likely pathogenic for Citrin deficiency. Last evaluated: 2021-12-19. Review status: criteria provided, single submitter. Criteria: Invitae Variant Classification Sherloc (09022015). Collection method: clinical testing. Allele origin: germline.
Comment: In summary, the currently available evidence indicates that the variant is pathogenic, but additional data are needed to prove that conclusively. Therefore, this variant has been classified as Likely Pathogenic. Algorithms developed to predict the effect of sequence changes on RNA splicing suggest that this variant may disrupt the consensus splice site. This variant has not been reported in the literature in individuals affected with SLC25A13-related conditions. This variant is not present in population databases (gnomAD no frequency). This sequence change affects an acceptor splice site in intron 4 of the SLC25A13 gene. It is expected to disrupt RNA splicing. Variants that disrupt the donor or acceptor splice site typically lead to a loss of protein function (PMID: 16199547), and loss-of-function variants in SLC25A13 are known to be pathogenic (PMID: 10369257, 14680984, 27405544).

Literature cited by the submitters: PubMed 16199547; PubMed 10369257; PubMed 14680984; PubMed 27405544.